The following is an entry in ClinVar:

NM_206943.4(LTBP1):c.4009GTAGAT[1] (p.1337VD[1])

Gene: LTBP1 (latent transforming growth factor beta binding protein 1; plus strand). Cytogenetic location: 2p22.3.
Variant type: Microsatellite.
Coding change: c.4009GTAGAT[1] on transcript NM_206943.4 (MANE Select); one copy of the 6-base unit GTAGAT starting at c.4009; the reference has two copies in a row; one copy, 6 bases deleted.
Protein change: p.1337VD[1].
Genome position (GRCh38, 1-based): chr2:33,360,611-33,360,616, GTAGAT deleted; deleting any 6 consecutive bases within chr2:33,360,600-33,360,616 gives the same sequence; the position shown is the placement nearest the transcript's 3' end. VCF-style (leftmost placement, unchanged base first): chr2-33360599-TTAGATG-T. GRCh37 (hg19) VCF-style: chr2-33585666-TTAGATG-T.
Other names: c.3031GTAGAT[1], p.1011VD[1] (NM_000627.4); c.2905GTAGAT[1], p.969VD[1] (NM_001166264.2, NM_001394909.1); c.2872GTAGAT[1], p.958VD[1] (NM_001166265.2); c.2746GTAGAT[1], p.916VD[1] (NM_001166266.2, NM_001394920.1); c.3850GTAGAT[1], p.1284VD[1] (NM_001394905.1); c.3028GTAGAT[1], p.1010VD[1] (NM_001394906.1); c.2944GTAGAT[1], p.982VD[1] (NM_001394907.1); c.2911GTAGAT[1], p.971VD[1] (NM_001394908.1); and 13 more.
Identifiers: ClinVar variation 4084778 (VCV004084778.8).

ClinVar aggregate classification (germline): Uncertain significance (1 of 4 stars; one submission).

Submission:

CeGaT Center for Human Genetics Tuebingen
Classification: Uncertain significance. Last evaluated: 2025-07-01. Review status: criteria provided, single submitter. Criteria: CeGaT Center For Human Genetics Tuebingen Variant Classification Criteria Version 2. Collection method: clinical testing. Allele origin: germline. Affected: yes. Observed: 1 variant allele.
Comment: LTBP1: PM2, PM4, BP4